The following is an entry in ClinVar:

NM_024408.4(NOTCH2):c.2188A>G (p.Ile730Val)

Gene: NOTCH2 (notch receptor 2; minus strand). Cytogenetic location: 1p12.
Variant type: single nucleotide variant.
Coding change: c.2188A>G on transcript NM_024408.4 (MANE Select); coding-DNA position 2188, A replaced by G.
Protein change: p.Ile730Val; replaces isoleucine 730 with valine.
Molecular consequence: missense variant.
Genome position (GRCh38, 1-based): chr1:119,955,071, T>C on the plus strand (A>G on the coding strand, the complement: NOTCH2 is on the minus strand). VCF-style: chr1-119955071-T-C. GRCh37 (hg19) VCF-style: chr1-120497694-T-C.
Other names: c.2188A>G, p.Ile730Val (NM_001200001.2); short protein forms I730V.
Identifiers: ClinVar variation 1959409 (VCV001959409.5), dbSNP rs749662716, ClinGen allele CA1040368.

ClinVar aggregate classification (germline): Uncertain significance (1 of 4 stars; one submission).

Conditions:
Hajdu-Cheney syndrome (HJCYS). Also called: SERPENTINE FIBULA-POLYCYSTIC KIDNEY SYNDROME; Acroosteolysis dominant type; ACROOSTEOLYSIS WITH OSTEOPOROSIS AND CHANGES IN SKULL AND MANDIBLE. Identifiers: Orphanet 955, MedGen C0917715, MONDO:0007057, OMIM 102500.

Allele frequency attached by ClinVar (database versions not stated): gnomAD exomes below 0.00001; ExAC 0.00001; gnomAD 0.00001.
gnomAD v4.1: 2 of 1,613,922 alleles (0.00012%); highest among the groups gnomAD compares: Non-Finnish European, 0.00017%; no homozygotes.

Submission:

Labcorp Genetics (formerly Invitae), Labcorp
Classification: Uncertain significance for Hajdu-Cheney syndrome. Last evaluated: 2023-08-23. Review status: criteria provided, single submitter. Criteria: Invitae Variant Classification Sherloc (09022015). Collection method: clinical testing. Allele origin: germline.
Comment: In summary, the available evidence is currently insufficient to determine the role of this variant in disease. Therefore, it has been classified as a Variant of Uncertain Significance. Advanced modeling of protein sequence and biophysical properties (such as structural, functional, and spatial information, amino acid conservation, physicochemical variation, residue mobility, and thermodynamic stability) performed at Invitae indicates that this missense variant is not expected to disrupt NOTCH2 protein function. ClinVar contains an entry for this variant (Variation ID: 1959409). This variant has not been reported in the literature in individuals affected with NOTCH2-related conditions. This variant is present in population databases (rs749662716, gnomAD 0.0009%). This sequence change replaces isoleucine, which is neutral and non-polar, with valine, which is neutral and non-polar, at codon 730 of the NOTCH2 protein (p.Ile730Val).